The following is an entry in ClinVar:

NM_006929.5(SKIC2):c.2813AGA[1] (p.Lys939del)

Gene: SKIC2 (SKI2 subunit of superkiller complex; plus strand). Cytogenetic location: 6p21.33.
Variant type: Microsatellite.
Coding change: c.2813AGA[1] on transcript NM_006929.5 (MANE Select); one copy of the 3-base unit AGA starting at c.2813; the reference has two copies in a row; one copy, 3 bases deleted.
Protein change: p.Lys939del; deletes lysine 939.
Molecular consequence: inframe deletion.
Genome position (GRCh38, 1-based): chr6:31,968,040-31,968,042, AGA deleted; deleting any 3 consecutive bases within chr6:31,968,037-31,968,042 gives the same sequence; the position shown is the placement nearest the transcript's 3' end. VCF-style (leftmost placement, unchanged base first): chr6-31968036-GAGA-G. GRCh37 (hg19) VCF-style: chr6-31935813-GAGA-G.
Other names: short protein forms K939del.
Identifiers: ClinVar variation 2179080 (VCV002179080.1), dbSNP rs912943978, ClinGen allele CA136913263.
Genomic context (GRCh38, chr6:31,968,036, plus strand): 5'-GTCAAGCTCCAGCCAGGAGATATGGCTGCCATCACCACCAAGGTGCTCCGGGTGAATGGG[GAGA>G]AGATCTTGGAGGACTTCAGCAAGAGGCAGCAGCCAAAATTCAAGTCAGAGATGCTAGGGA-3'

ClinVar aggregate classification (germline): Uncertain significance (1 of 4 stars; one submission).

Submission:

Labcorp Genetics (formerly Invitae), Labcorp
Classification: Uncertain significance. Last evaluated: 2022-03-26. Review status: criteria provided, single submitter. Criteria: Invitae Variant Classification Sherloc (09022015). Collection method: clinical testing. Allele origin: germline.
Comment: This variant, c.2816_2818del, results in the deletion of 1 amino acid(s) of the SKIV2L protein (p.Lys939del), but otherwise preserves the integrity of the reading frame. This variant is present in population databases (no rsID available, gnomAD 0.007%). This variant has not been reported in the literature in individuals affected with SKIV2L-related conditions. Experimental studies and prediction algorithms are not available or were not evaluated, and the functional significance of this variant is currently unknown. In summary, the available evidence is currently insufficient to determine the role of this variant in disease. Therefore, it has been classified as a Variant of Uncertain Significance.